The following is an entry in ClinVar:

ClinVar aggregate classification (germline): Uncertain significance (1 of 4 stars; one submission).

Conditions:
BCORL1-related disorder. Also called: BCORL1-related condition.

Submission:

PreventionGenetics, part of Exact Sciences
Classification: Uncertain significance for BCORL1-related condition. Last evaluated: 2026-06-25. Review status: criteria provided, single submitter. Criteria: ACMG Guidelines, 2015. Collection method: clinical testing. Allele origin: germline.
Comment: The BCORL1 c.2936A>G variant is predicted to result in the amino acid substitution p.Asp979Gly. To our knowledge, this variant has not been reported in the literature or in a large population database (gnomAD), indicating this variant is rare. At this time, the clinical significance of this variant is uncertain due to the absence of conclusive functional and genetic evidence.

NM_001379451.1(BCORL1):c.2936A>G (p.Asp979Gly)

Gene: BCORL1 (BCL6 corepressor like 1; plus strand). Cytogenetic location: Xq26.1.
Variant type: single nucleotide variant.
Coding change: c.2936A>G on transcript NM_001379451.1 (MANE Select); coding-DNA position 2936, A replaced by G.
Protein change: p.Asp979Gly; replaces aspartic acid 979 with glycine.
Molecular consequence: missense variant.
Genome position (GRCh38, 1-based): chrX:130,015,708, A>G. VCF-style: chrX-130015708-A-G. GRCh37 (hg19) VCF-style: chrX-129149684-A-G.
Other names: c.2936A>G, p.Asp979Gly (NM_001184772.3, NM_001379450.1, NM_001441326.1 and 7 more transcripts); short protein forms D979G.
Identifiers: ClinVar variation 4995149 (VCV004995149.1).
Genomic context (GRCh38, chrX:130,015,708, plus strand): 5'-CTGACAGCACTCCTAAGATGGAAGGCCCCCAGGGGGCTTGTGGCCTGAAGCTGGCAGGAG[A>G]CACGAAGCCTAAGAACCAAGTGCTGGCCACCTACATGTCCCATGAGCTGGTCCTGGCCAC-3'
Protein context (NP_001366380.1, residues 969-989): QGACGLKLAG[Asp979Gly]TKPKNQVLAT